The following is an entry in ClinVar:

NM_001012267.3(CENPP):c.215C>T (p.Thr72Met)

Gene: CENPP (centromere protein P; plus strand). Cytogenetic location: 9q22.31.
Variant type: single nucleotide variant.
Coding change: c.215C>T on transcript NM_001012267.3 (MANE Select); coding-DNA position 215, C replaced by T.
Protein change: p.Thr72Met; replaces threonine 72 with methionine.
Molecular consequence: missense variant. On other transcripts: intron variant (1).
Genome position (GRCh38, 1-based): chr9:92,332,277, C>T. VCF-style: chr9-92332277-C-T. GRCh37 (hg19) VCF-style: chr9-95094559-C-T.
Other names: c.-47-5264C>T (NM_001286969.1); short protein forms T72M.
Identifiers: ClinVar variation 3043563 (VCV003043563.2), dbSNP rs150818648, ClinGen allele CA5124019.

ClinVar aggregate classification (germline): Likely benign (0 of 4 stars; one submission).

Conditions:
CENPP-related disorder. Also called: CENPP-related condition.

Allele frequency attached by ClinVar (database versions not stated): 1000 Genomes Project 0.00020; 1000 Genomes Project 30x 0.00031; TOPMed 0.00217; ESP Exome Variant Server 0.00254.
gnomAD v4.1: 4,842 of 1,612,096 alleles (0.3%); highest among the groups gnomAD compares: Non-Finnish European, 0.37%; 14 homozygotes.

Submission:

PreventionGenetics, part of Exact Sciences
Classification: Likely benign for CENPP-related condition. Last evaluated: 2020-07-28. Review status: no assertion criteria provided. Collection method: clinical testing. Allele origin: germline.
Comment: This variant is classified as likely benign based on ACMG/AMP sequence variant interpretation guidelines (Richards et al. 2015 PMID: 25741868, with internal and published modifications).